The following is an entry in ClinVar:

NM_015474.4(SAMHD1):c.*120C>T

Genes: TLDC2 (TBC/LysM-associated domain containing 2; plus strand), SAMHD1 (SAM and HD domain containing deoxynucleoside triphosphate triphosphohydrolase 1; minus strand). Cytogenetic location: 20q11.23.
Variant type: single nucleotide variant.
Coding change: c.*120C>T on transcript NM_015474.4 (MANE Select); 120 bases downstream of the stop codon, C replaced by T.
Molecular consequence: 3 prime UTR variant. On other transcripts: intron variant (2).
Genome position (GRCh38, 1-based): chr20:36,892,812, G>A on the plus strand (C>T on the coding strand, the complement: SAMHD1 is on the minus strand). VCF-style: chr20-36892812-G-A. GRCh37 (hg19) VCF-style: chr20-35521215-G-A.
Other names: c.*120C>T (NM_001363729.2); c.*1094C>T (NM_001363733.2); c.*18-50G>A (NM_001304783.1, NM_080628.3).
Identifiers: ClinVar variation 896157 (VCV000896157.4), dbSNP rs188941712, ClinGen allele CA9844378.

ClinVar aggregate classification (germline): Benign/Likely benign. Review status: criteria provided, single submitter (1 of 4 stars). 2 submissions from 1 submitter: Benign (1); Likely benign (1). Last evaluated 2018-01-13.

Conditions:
Aicardi-Goutieres syndrome 5. Identifiers: Orphanet 51, MedGen C2749659, MONDO:0013059, OMIM 612952.
Chilblain lupus 2 (CHBL2). Identifiers: MedGen C3280721, MONDO:0013739, OMIM 614415.

Allele frequency attached by ClinVar (database versions not stated): gnomAD 0.00006 and 0.00011; TOPMed 0.00015; gnomAD exomes 0.00016 and 0.00033; ExAC 0.00029; 1000 Genomes Project 30x 0.00062; 1000 Genomes Project 0.00080.
gnomAD v4.1: 193 of 1,271,316 alleles (0.015%); highest among the groups gnomAD compares: East Asian, 0.37%; 1 homozygote.

Submissions (2):

Illumina Laboratory Services, Illumina
Classification: Benign for Chilblain lupus 2. Last evaluated: 2018-01-13. Review status: criteria provided, single submitter. Criteria: ICSL Variant Classification Criteria 13 December 2019. Collection method: clinical testing. Allele origin: germline.
Comment: This variant was observed in the ICSL laboratory as part of a predisposition screen in an ostensibly healthy population. It had not been previously curated by ICSL or reported in the Human Gene Mutation Database (HGMD: prior to June 1st, 2018), and was therefore a candidate for classification through an automated scoring system. Utilizing variant allele frequency, disease prevalence and penetrance estimates, and inheritance mode, an automated score was calculated to assess if this variant is too frequent to cause the disease. Based on the score and internal cut-off values, a variant classified as benign is not then subjected to further curation. The score for this variant resulted in a classification of benign for this disease.

Illumina Laboratory Services, Illumina
Classification: Likely benign for Aicardi-Goutieres syndrome 5. Last evaluated: 2018-01-13. Review status: criteria provided, single submitter. Criteria: ICSL Variant Classification Criteria 13 December 2019. Collection method: clinical testing. Allele origin: germline.
Comment: This variant was observed in the ICSL laboratory as part of a predisposition screen in an ostensibly healthy population. It had not been previously curated by ICSL or reported in the Human Gene Mutation Database (HGMD: prior to June 1st, 2018), and was therefore a candidate for classification through an automated scoring system. Utilizing variant allele frequency, disease prevalence and penetrance estimates, and inheritance mode, an automated score was calculated to assess if this variant is too frequent to cause the disease. Based on the score and internal cut-off values, a variant classified as likely benign is not then subjected to further curation. The score for this variant resulted in a classification of likely benign for this disease.